The following is an entry in ClinVar:

ClinVar aggregate classification (germline): Pathogenic (1 of 4 stars; one submission).

Submission:

Labcorp Genetics (formerly Invitae), Labcorp
Classification: Pathogenic. Last evaluated: 2020-07-30. Review status: criteria provided, single submitter. Criteria: Invitae Variant Classification Sherloc (09022015). Collection method: clinical testing. Allele origin: germline.
Comment: For these reasons, this variant has been classified as Pathogenic. Loss-of-function variants in USH2A are known to be pathogenic (PMID: 10729113, 10909849, 20507924, 25649381). This variant has not been reported in the literature in individuals with USH2A-related conditions. This variant is not present in population databases (ExAC no frequency). This sequence change creates a premature translational stop signal (p.Gly4665*) in the USH2A gene. It is expected to result in an absent or disrupted protein product.

Literature cited by the submitters: PubMed 10729113; PubMed 10909849; PubMed 20507924; PubMed 25649381.

NM_206933.4(USH2A):c.13993G>T (p.Gly4665Ter)

Gene: USH2A (usherin; minus strand). Cytogenetic location: 1q41.
Variant type: single nucleotide variant.
Coding change: c.13993G>T on transcript NM_206933.4 (MANE Select); coding-DNA position 13993, G replaced by T.
Protein change: p.Gly4665Ter; replaces glycine 4665 with a stop codon.
Molecular consequence: nonsense.
Genome position (GRCh38, 1-based): chr1:215,671,112, C>A on the plus strand (G>T on the coding strand, the complement: USH2A is on the minus strand). VCF-style: chr1-215671112-C-A. GRCh37 (hg19) VCF-style: chr1-215844454-C-A.
Other names: short protein forms G4665*.
Identifiers: ClinVar variation 1076412 (VCV001076412.7), dbSNP rs2102661344, ClinGen allele CA344840782.